The following is an entry in ClinVar:

NM_001376.5(DYNC1H1):c.11717A>G (p.Gln3906Arg)

Gene: DYNC1H1 (dynein cytoplasmic 1 heavy chain 1; plus strand). Cytogenetic location: 14q32.31.
Variant type: single nucleotide variant.
Coding change: c.11717A>G on transcript NM_001376.5 (MANE Select); coding-DNA position 11717, A replaced by G.
Protein change: p.Gln3906Arg; replaces glutamine 3906 with arginine.
Molecular consequence: missense variant.
Genome position (GRCh38, 1-based): chr14:102,040,262, A>G. VCF-style: chr14-102040262-A-G. GRCh37 (hg19) VCF-style: chr14-102506599-A-G.
Other names: short protein forms Q3906R.
Identifiers: ClinVar variation 1944099 (VCV001944099.5), dbSNP rs2048631194, ClinGen allele CA391036479.

ClinVar aggregate classification (germline): Uncertain significance (1 of 4 stars; one submission).

Conditions:
Charcot-Marie-Tooth disease axonal type 2O. Also called: Charcot-Marie-Tooth disease, axonal, type 20; CHARCOT-MARIE-TOOTH NEUROPATHY, AXONAL, TYPE 2O; CHARCOT-MARIE-TOOTH DISEASE, AXONAL, AUTOSOMAL DOMINANT, TYPE 2O; Charcot-Marie-Tooth Neuropathy Type 2O. Identifiers: Orphanet 284232, MedGen C3280220, MONDO:0013644, OMIM 614228.

Allele frequency attached by ClinVar (database versions not stated): gnomAD exomes 0.00001.
gnomAD v4.1: 6 of 1,614,188 alleles (0.00037%); highest among the groups gnomAD compares: Non-Finnish European, 0.00051%; no homozygotes.

Submission:

Labcorp Genetics (formerly Invitae), Labcorp
Classification: Uncertain significance for Charcot-Marie-Tooth disease axonal type 2O. Last evaluated: 2024-07-29. Review status: criteria provided, single submitter. Criteria: Invitae Variant Classification Sherloc (09022015). Collection method: clinical testing. Allele origin: germline.
Comment: This sequence change replaces glutamine, which is neutral and polar, with arginine, which is basic and polar, at codon 3906 of the DYNC1H1 protein (p.Gln3906Arg). This variant is not present in population databases (gnomAD no frequency). This variant has not been reported in the literature in individuals affected with DYNC1H1-related conditions. ClinVar contains an entry for this variant (Variation ID: 1944099). Advanced modeling of protein sequence and biophysical properties (such as structural, functional, and spatial information, amino acid conservation, physicochemical variation, residue mobility, and thermodynamic stability) performed at Invitae indicates that this missense variant is not expected to disrupt DYNC1H1 protein function with a negative predictive value of 95%. In summary, the available evidence is currently insufficient to determine the role of this variant in disease. Therefore, it has been classified as a Variant of Uncertain Significance.